The following is an entry in ClinVar:

ClinVar aggregate classification (germline): Conflicting classifications of pathogenicity. Review status: criteria provided, conflicting classifications (1 of 4 stars). 5 submissions from 5 submitters: Pathogenic (2); Likely pathogenic (2); Uncertain significance (1). Last evaluated 2025-12-20.

Conditions:
Autosomal recessive MADD-related disorders.
Deeah syndrome. Also called: DEVELOPMENTAL DELAY WITH ENDOCRINE, EXOCRINE, AUTONOMIC, AND HEMATOLOGIC ABNORMALITIES. Identifiers: Orphanet 686495, MedGen C5436579, MONDO:0033561, OMIM 619004.
Neurodevelopmental disorder with dysmorphic facies, impaired speech, and hypotonia. Identifiers: MedGen C5436585, MONDO:0033562, OMIM 619005.
MADD-related disorder. Also called: MADD-related condition; MADD-Related Disorders.

Submissions (5):

Variantyx, Inc.
Classification: Likely pathogenic for Autosomal recessive MADD-related disorders. Last evaluated: 2025-12-20. Review status: criteria provided, single submitter. Criteria: Variantyx Assertion Criteria 2022. Collection method: clinical testing. Allele origin: germline. Inheritance: Autosomal recessive inheritance. Affected: yes.
Comment: This is a frameshift variant in the MADD gene (OMIM: 603584). Pathogenic variants in this gene have been associated with autosomal recessive MADD-related disorders. This variant introduces a premature termination codon in exon 13 out of 37 and is expected to result in loss of function, which is a known disease mechanism for MADD in these disorders (PMID: 32761064) (PVS1). This variant has a 0.0167% maximum allele frequency in non-founder control populations (PM2). Based on the current evidence, this variant is classified as likely pathogenic for autosomal recessive MADD-related disorders.

Women's Health and Genetics/Laboratory Corporation of America, LabCorp
Classification: Pathogenic for MADD-Related Disorders. Last evaluated: 2025-12-11. Review status: criteria provided, single submitter. Criteria: LabCorp Variant Classification Summary - May 2015. Collection method: clinical testing. Allele origin: germline.
Comment: Variant summary: MADD c.2309dupA (p.Asn770LysfsX13) results in a premature termination codon, predicted to cause a truncation of the encoded protein or absence of the protein due to nonsense mediated decay, which are commonly known mechanisms for disease. The variant allele was found at a frequency of 0.0002 in 251462 control chromosomes (gnomAD). This frequency is not significantly higher than estimated for disease-causing variants in MADD, allowing no conclusion about variant significance. To our knowledge, no occurrence of c.2309dupA in individuals affected with MADD-related conditions and no experimental evidence demonstrating its impact on protein function have been reported. ClinVar contains an entry for this variant (Variation ID: 1810579). Based on the evidence outlined above, the variant was classified as pathogenic.

GeneDx
Classification: Uncertain significance. Last evaluated: 2025-12-09. Review status: criteria provided, single submitter. Criteria: GeneDx Variant Classification Process June 2021. Collection method: clinical testing. Allele origin: germline.
Comment: Frameshift variant predicted to result in protein truncation or nonsense mediated decay in a gene for which loss of function is a known mechanism of disease; Has not been previously published as pathogenic or benign in association with MADD-related disorder to our knowledge; This variant is associated with the following publications: (PMID: 35650585, 37601970)

First Genomix Gene Laboratory, Genetic Diagnostics Department
Classification: Likely pathogenic for Deeah syndrome; Neurodevelopmental disorder with dysmorphic facies, impaired speech, and hypotonia. Last evaluated: 2025-06-17. Review status: criteria provided, single submitter. Criteria: ACMG Guidelines, 2015. Collection method: clinical testing. Allele origin: germline. Inheritance: Autosomal recessive inheritance. Affected: no. Observed: 1 variant allele.

Labcorp Genetics (formerly Invitae), Labcorp
Classification: Pathogenic. Last evaluated: 2022-06-27. Review status: criteria provided, single submitter. Criteria: Invitae Variant Classification Sherloc (09022015). Collection method: clinical testing. Allele origin: germline.
Comment: This sequence change creates a premature translational stop signal (p.Asn770Lysfs*13) in the MADD gene. It is expected to result in an absent or disrupted protein product. Loss-of-function variants in MADD are known to be pathogenic (PMID: 32761064). This variant is present in population databases (rs767019430, gnomAD 0.04%). This variant has not been reported in the literature in individuals affected with MADD-related conditions. Algorithms developed to predict the effect of sequence changes on RNA splicing suggest that this variant may create or strengthen a splice site. For these reasons, this variant has been classified as Pathogenic.

Literature cited by the submitters: PubMed 32761064 (cited by Variantyx, Inc. and Labcorp Genetics (formerly Invitae), Labcorp).

NM_001376571.1(MADD):c.2309dup (p.Asn770fs)

Gene: MADD (MAP kinase activating death domain; plus strand). Cytogenetic location: 11p11.2.
Variant type: Duplication.
Coding change: c.2309dup on transcript NM_001376571.1 (MANE Select); coding-DNA position 2309, one base duplicated (A; older notation c.2309dupA).
Protein change: p.Asn770fs; shifts the reading frame from asparagine 770.
Molecular consequence: frameshift variant. On other transcripts: intron variant (55), non-coding transcript variant (5).
Genome position (GRCh38, 1-based): chr11:47,285,092, A duplicated; the last of 2 consecutive A bases (chr11:47,285,091-47,285,092); duplicating either gives the same sequence. VCF-style (leftmost placement, unchanged base first): chr11-47285090-C-CA. GRCh37 (hg19) VCF-style: chr11-47306641-C-CA.
Other names: c.2282+27dup (NM_001376639.1, NM_001376586.1, NM_001376643.1 and 43 more transcripts); c.2258+27dup (NM_001376602.1); c.2078+27dup (NM_001376627.1, NM_001376659.1, NM_001376635.1 and 5 more transcripts); c.2309dup, p.Asn770fs (NM_001376572.1, NM_001376573.1, NM_001376574.1 and 33 more transcripts); c.2105dup, p.Asn702fs (NM_001376620.1, NM_001376626.1, NM_001376648.1 and 1 more transcripts); c.2309dupA (NM_003682.4); c.1643dup, p.Asn548fs (NM_001376663.1); short protein forms N702fs, N770fs, N548fs.
Identifiers: ClinVar variation 1810579 (VCV001810579.6), dbSNP rs767019430, ClinGen allele CA5974407.
Genomic context (GRCh38, chr11:47,285,090, plus strand): 5'-GAACGTGGACAGACGTCAGGCAGAAATTGGAGAGGGGTCAGTGCGCCGGCGAATCTATGA[C>CA]AATCCATACTTCGAGCCCCAATATGGCTTTCCCCCTGAGGAAGATGAGGATGAGCAGGGG-3'